The following is an entry in ClinVar:

NM_004186.5(SEMA3F):c.873G>A (p.Ala291=)

Gene: SEMA3F (semaphorin 3F; plus strand). Cytogenetic location: 3p21.31.
Variant type: single nucleotide variant.
Coding change: c.873G>A on transcript NM_004186.5 (MANE Select); coding-DNA position 873, G replaced by A.
Protein change: p.Ala291=; no amino-acid change (alanine 291 retained).
Molecular consequence: synonymous variant.
Genome position (GRCh38, 1-based): chr3:50,182,753, G>A. VCF-style: chr3-50182753-G-A. GRCh37 (hg19) VCF-style: chr3-50220186-G-A.
Other names: c.576G>A, p.Ala192= (NM_001318798.2); c.780G>A, p.Ala260= (NM_001318800.2).
Identifiers: ClinVar variation 3348826 (VCV003348826.1).

ClinVar aggregate classification (germline): Uncertain significance (0 of 4 stars; one submission).

Conditions:
SEMA3F-related disorder. Also called: SEMA3F-related condition.

Submission:

PreventionGenetics, part of Exact Sciences
Classification: Uncertain significance for SEMA3F-related condition. Last evaluated: 2024-01-12. Review status: no assertion criteria provided. Collection method: clinical testing. Allele origin: germline.
Comment: The SEMA3F c.873G>A variant is not predicted to result in an amino acid change (p.=). This variant is predicted to alter splicing based on available splicing prediction program (SpliceAI, Jaganathan et al. 2019. PubMed: 30661751). To our knowledge, this variant has not been reported in the literature. This variant is reported in 0.0018% of alleles in individuals of European (Non-Finnish) descent in gnomAD. At this time, the clinical significance of this variant is uncertain due to the absence of conclusive functional and genetic evidence.